The following is an entry in ClinVar:

ClinVar aggregate classification (germline): Uncertain significance (1 of 4 stars; one submission).

Submission:

GeneDx
Classification: Uncertain significance. Last evaluated: 2019-08-12. Review status: criteria provided, single submitter. Criteria: GeneDx Variant Classification Process June 2021. Collection method: clinical testing. Allele origin: germline. Affected: yes.
Comment: Not observed in large population cohorts (Lek et al., 2016); In silico analysis, which includes protein predictors and evolutionary conservation, supports a deleterious effect; Has not been previously published as pathogenic or benign to our knowledge

NM_001288705.3(CSF1R):c.2677T>C (p.Trp893Arg)

Gene: CSF1R (colony stimulating factor 1 receptor; minus strand). Cytogenetic location: 5q32.
Variant type: single nucleotide variant.
Coding change: c.2677T>C on transcript NM_001288705.3 (MANE Select); coding-DNA position 2677, T replaced by C.
Protein change: p.Trp893Arg; replaces tryptophan 893 with arginine.
Molecular consequence: missense variant. On other transcripts: non-coding transcript variant (2).
Genome position (GRCh38, 1-based): chr5:150,054,408, A>G on the plus strand (T>C on the coding strand, the complement: CSF1R is on the minus strand). VCF-style: chr5-150054408-A-G. GRCh37 (hg19) VCF-style: chr5-149433971-A-G.
Other names: c.2677T>C, p.Trp893Arg (NM_001349736.2, NM_001375320.1, NM_005211.4); c.2233T>C, p.Trp745Arg (NM_001375321.1); short protein forms W745R, W893R.
Identifiers: ClinVar variation 1303913 (VCV001303913.2), dbSNP rs2113774063, ClinGen allele CA361757370.